The following is an entry in ClinVar:

ClinVar aggregate classification (germline): Benign (1 of 4 stars; one submission).

Allele frequency attached by ClinVar (database versions not stated): gnomAD 0.19537 and 0.19576; TOPMed 0.19847; 1000 Genomes Project 0.23383; 1000 Genomes Project 30x 0.23844.
gnomAD v4.1: 29,641 of 152,126 alleles (19%); highest among the groups gnomAD compares: African/African-American, 30%; 3,243 homozygotes.

Submission:

GeneDx
Classification: Benign. Last evaluated: 2018-06-19. Review status: criteria provided, single submitter. Criteria: GeneDx Variant Classification (06012015). Collection method: clinical testing. Allele origin: germline. Affected: yes.
Comment: This variant is considered likely benign or benign based on one or more of the following criteria: it is a conservative change, it occurs at a poorly conserved position in the protein, it is predicted to be benign by multiple in silico algorithms, and/or has population frequency not consistent with disease.

NM_005045.4(RELN):c.9763+238T>C

Genes: RELN (reelin; minus strand), SLC26A5-AS1 (SLC26A5 antisense RNA 1; plus strand). Cytogenetic location: 7q22.1.
Variant type: single nucleotide variant.
Coding change: c.9763+238T>C on transcript NM_005045.4 (MANE Select); 238 bases into the intron after coding-DNA position 9763, T replaced by C.
Molecular consequence: intron variant.
Genome position (GRCh38, 1-based): chr7:103,489,504, A>G on the plus strand (T>C on the coding strand, the complement: RELN is on the minus strand). VCF-style: chr7-103489504-A-G. GRCh37 (hg19) VCF-style: chr7-103129951-A-G.
Other names: c.9763+238T>C (NM_173054.3).
Identifiers: ClinVar variation 669141 (VCV000669141.1), dbSNP rs17132957, ClinGen allele CA163903718.